The following is an entry in ClinVar:

ClinVar aggregate classification (germline): Uncertain significance (1 of 4 stars; one submission).

Conditions:
Hereditary spastic paraplegia 30. Identifiers: Orphanet 101010, MedGen C5235139, MONDO:0012476.
Neuropathy, hereditary sensory, type 2C. Also called: Hereditary sensory and autonomic neuropathy type IIC; KIF1A-Related HSAN2 (HSAN2C). Identifiers: Orphanet 970, MedGen C3280168, MONDO:0013634, OMIM 614213.
Intellectual disability, autosomal dominant 9 (NESCAVS). Also called: NESCAV SYNDROME; KIF1A-Related Neurodevelopmental Disorder. Identifiers: Orphanet 662367, MedGen C5393830, MONDO:0013656, OMIM 614255.

Submission:

Labcorp Genetics (formerly Invitae), Labcorp
Classification: Uncertain significance for Hereditary spastic paraplegia 30; Neuropathy, hereditary sensory, type 2C; Intellectual disability, autosomal dominant 9. Last evaluated: 2022-06-14. Review status: criteria provided, single submitter. Criteria: Invitae Variant Classification Sherloc (09022015). Collection method: clinical testing. Allele origin: germline.
Comment: This sequence change replaces arginine, which is basic and polar, with glycine, which is neutral and non-polar, at codon 548 of the KIF1A protein (p.Arg548Gly). This variant is not present in population databases (gnomAD no frequency). This variant has not been reported in the literature in individuals affected with KIF1A-related conditions. Advanced modeling of protein sequence and biophysical properties (such as structural, functional, and spatial information, amino acid conservation, physicochemical variation, residue mobility, and thermodynamic stability) performed at Invitae indicates that this missense variant is not expected to disrupt KIF1A protein function. In summary, the available evidence is currently insufficient to determine the role of this variant in disease. Therefore, it has been classified as a Variant of Uncertain Significance.

NM_001244008.2(KIF1A):c.1669A>G (p.Arg557Gly)

Gene: KIF1A (kinesin family member 1A; minus strand). Cytogenetic location: 2q37.3.
Variant type: single nucleotide variant.
Coding change: c.1669A>G on transcript NM_001244008.2 (MANE Select); coding-DNA position 1669, A replaced by G.
Protein change: p.Arg557Gly; replaces arginine 557 with glycine.
Molecular consequence: missense variant.
Genome position (GRCh38, 1-based): chr2:240,766,930, T>C on the plus strand (A>G on the coding strand, the complement: KIF1A is on the minus strand). VCF-style: chr2-240766930-T-C. GRCh37 (hg19) VCF-style: chr2-241706347-T-C.
Other names: c.1669A>G, p.Arg557Gly (NM_001320705.2, NM_001330289.2, NM_001379638.1); c.1744A>G, p.Arg582Gly (NM_001330290.2, NM_001379631.1, NM_001379634.1 and 2 more transcripts); c.1642A>G, p.Arg548Gly (NM_001379632.1, NM_001379633.1, NM_001379636.1 and 11 more transcripts); c.1717A>G, p.Arg573Gly (NM_001379637.1, NM_001379648.1); short protein forms R582G, R573G, R548G, R557G.
Identifiers: ClinVar variation 2006564 (VCV002006564.4), dbSNP rs2537762444, ClinGen allele CA351328007.
Genomic context (GRCh38, chr2:240,766,930, plus strand): 5'-GGCACAGGGGCATGGGTGCGGGTAGGGACGGTAGGGTGGTGATACCTTCGCTGCCTCCCC[T>C]GGAGTCGCTCCGGAAGACGCAGTGCTCCTCCTTGATGAAGTGCCCACTCAGAACAATGTC-3'
Protein context (NP_001230937.1, residues 547-567): EEHCVFRSDS[Arg557Gly]GGSEAVVTLE